The following is an entry in ClinVar:

NM_033159.4(HYAL1):c.323G>A (p.Arg108His)

Gene: HYAL1 (hyaluronidase 1; minus strand). Cytogenetic location: 3p21.31.
Variant type: single nucleotide variant.
Coding change: c.323G>A on transcript NM_033159.4 (MANE Select); coding-DNA position 323, G replaced by A.
Protein change: p.Arg108His; replaces arginine 108 with histidine.
Molecular consequence: missense variant. On other transcripts: non-coding transcript variant (1), intron variant (2).
Genome position (GRCh38, 1-based): chr3:50,302,634, C>T on the plus strand (G>A on the coding strand, the complement: HYAL1 is on the minus strand). VCF-style: chr3-50302634-C-T. GRCh37 (hg19) VCF-style: chr3-50340065-C-T.
Other names: c.323G>A, p.Arg108His (NM_153281.2, NM_153282.3); c.-26-429G>A (NM_153285.3); c.-213-11G>A (NM_153283.3); short protein forms R108H.
Identifiers: ClinVar variation 720221 (VCV000720221.13), dbSNP rs56962018, ClinGen allele CA2415971.

ClinVar aggregate classification (germline): Benign/Likely benign. Review status: criteria provided, multiple submitters, no conflicts (2 of 4 stars). 4 submissions from 4 submitters: Benign (2); Likely benign (1). 1 of the submissions does not count toward it. Last evaluated 2026-08-27.

Conditions:
Deficiency of hyaluronoglucosaminidase (MPS9). Also called: HYALURONIDASE DEFICIENCY; MPS IX; Mucopolysaccharidosis type 9. Identifiers: Orphanet 67041, MedGen C1291490, MONDO:0011093, OMIM 601492.
HYAL1-related disorder. Also called: HYAL1-related condition.

Allele frequency attached by ClinVar (database versions not stated): gnomAD exomes 0.00081; ExAC 0.00106; gnomAD 0.00337 and 0.00357; ESP Exome Variant Server 0.00369; TOPMed 0.00396; 1000 Genomes Project 0.00439; 1000 Genomes Project 30x 0.00500.
gnomAD v4.1: 1,033 of 1,614,138 alleles (0.064%); highest among the groups gnomAD compares: African/African-American, 1.2%; 11 homozygotes.

Submissions (4):

PreventionGenetics, part of Exact Sciences
Classification: Benign for HYAL1-related condition. Last evaluated: 2026-08-27. Review status: criteria provided, single submitter. Criteria: ACMG Guidelines, 2015. Collection method: clinical testing. Allele origin: germline.
Comment: This variant is classified as benign based on ACMG/AMP sequence variant interpretation guidelines (Richards et al. 2015 PMID: 25741868, with internal and published modifications).

Labcorp Genetics (formerly Invitae), Labcorp
Classification: Benign for Deficiency of hyaluronoglucosaminidase. Last evaluated: 2026-01-28. Review status: criteria provided, single submitter. Criteria: Invitae Variant Classification Sherloc (09022015). Collection method: clinical testing. Allele origin: germline.

Blueprint Genetics
Classification: Likely benign. Last evaluated: 2024-08-28. Review status: criteria provided, single submitter. Criteria: ACMG Guidelines, 2015. Collection method: clinical testing. Allele origin: germline.

Natera, Inc.
Classification: Benign for Mucopolysaccharidosis type IX. Last evaluated: 2020-09-16. Review status: no assertion criteria provided. Collection method: clinical testing. Allele origin: germline. Not counted in ClinVar's aggregate classification.